The following is an entry in ClinVar:

ClinVar aggregate classification (germline): Likely benign. Review status: reviewed by expert panel (3 of 4 stars). 8 submissions from 8 submitters: Likely benign (1). 7 of the submissions do not count toward it. Last evaluated 2017-06-29.

Conditions:
Breast-ovarian cancer, familial, susceptibility to, 1 (BROVCA1). Also called: BRCA1 Hereditary Breast and Ovarian Cancer; OVARIAN CANCER, SUSCEPTIBILITY TO. Identifiers: Orphanet 145, MedGen C2676676, MONDO:0011450, OMIM 604370. Disease mechanism: loss of function.
Hereditary breast ovarian cancer syndrome. Also called: Breast and ovarian cancer; Hereditary breast and ovarian cancer; Hereditary breast and ovarian cancer syndrome; Hereditary breast and/or ovarian cancer syndrome; BRCA1- and BRCA2-Associated Hereditary Breast and Ovarian Cancer; Hereditary breast and ovarian cancer syndrome (HBOC). Identifiers: Orphanet 145, MedGen C0677776, MeSH D061325, MONDO:0003582. Disease mechanism: loss of function.
Hereditary cancer-predisposing syndrome. Also called: Tumor predisposition; Hereditary Cancer Syndrome; Neoplastic Syndromes, Hereditary; Hereditary neoplastic syndrome. Identifiers: Orphanet 140162, MedGen C0027672, MeSH D009386, MONDO:0015356.
BRCA1-related cancer predisposition. Identifiers: MedGen CN377757, MONDO:0700268.

Allele frequency attached by ClinVar (database versions not stated): gnomAD 0.00001; gnomAD exomes 0.00001; TOPMed 0.00001.
gnomAD v4.1: 7 of 1,613,922 alleles (0.00043%); highest among the groups gnomAD compares: African/African-American, 0.004%; no homozygotes.

Submissions (8):

Evidence-based Network for the Interpretation of Germline Mutant Alleles (ENIGMA)
Classification: Likely benign for Breast-ovarian cancer, familial, susceptibility to, 1. Last evaluated: 2017-06-29. Review status: reviewed by expert panel. Criteria: ENIGMA BRCA1/2 Classification Criteria (2017-06-29). Collection method: curation. Allele origin: germline.
Comment: Synonymous substitution variant, with low bioinformatic likelihood to result in a splicing aberration (Splicing prior probability 0.02).

Labcorp Genetics (formerly Invitae), Labcorp
Classification: Likely benign for Hereditary breast ovarian cancer syndrome. Last evaluated: 2025-08-21. Review status: criteria provided, single submitter. Criteria: Invitae Variant Classification Sherloc (09022015). Collection method: clinical testing. Allele origin: germline. Not counted in ClinVar's aggregate classification.

All of Us Research Program, National Institutes of Health
Classification: Likely benign for BRCA1-related cancer predisposition. Last evaluated: 2024-05-14. Review status: criteria provided, single submitter. Criteria: ACMG Guidelines, 2015. Collection method: clinical testing. Allele origin: germline. Inheritance: Autosomal dominant inheritance. Observed: 1 variant allele, 1 heterozygote. Not counted in ClinVar's aggregate classification.
Comment: This study involves interpretation of variants in research participants for the purpose of population health screening. Participant phenotype was not available at the time of variant classification. Additional details can be found in publication PMID: 35346344, PMCID: PMC8962531

Quest Diagnostics Nichols Institute San Juan Capistrano
Classification: Likely benign. Last evaluated: 2021-01-23. Review status: criteria provided, single submitter. Criteria: Quest Diagnostics criteria. Collection method: clinical testing. Allele origin: unknown. Not counted in ClinVar's aggregate classification.

GeneDx
Classification: Likely benign. Last evaluated: 2020-02-26. Review status: criteria provided, single submitter. Criteria: GeneDx Variant Classification Process June 2021. Collection method: clinical testing. Allele origin: germline. Affected: yes. Not counted in ClinVar's aggregate classification.

Women's Health and Genetics/Laboratory Corporation of America, LabCorp
Classification: Likely benign. Last evaluated: 2019-07-12. Review status: criteria provided, single submitter. Criteria: LabCorp Variant Classification Summary - May 2015. Collection method: clinical testing. Allele origin: germline. Not counted in ClinVar's aggregate classification.

Ambry Genetics
Classification: Likely benign for Hereditary cancer-predisposing syndrome. Last evaluated: 2018-05-17. Review status: criteria provided, single submitter. Criteria: Ambry Variant Classification Scheme 2023. Collection method: clinical testing. Allele origin: germline. Not counted in ClinVar's aggregate classification.

Color Diagnostics, LLC DBA Color Health
Classification: Likely benign for Hereditary cancer-predisposing syndrome. Last evaluated: 2017-06-20. Review status: criteria provided, single submitter. Criteria: ACMG Guidelines, 2015. Collection method: clinical testing. Allele origin: germline. Not counted in ClinVar's aggregate classification.

NM_007294.4(BRCA1):c.1386G>A (p.Gly462=)

Gene: BRCA1 (BRCA1 DNA repair associated; minus strand). Cytogenetic location: 17q21.31.
Variant type: single nucleotide variant.
Coding change: c.1386G>A on transcript NM_007294.4 (MANE Select); coding-DNA position 1386, G replaced by A.
Protein change: p.Gly462=; no amino-acid change (glycine 462 retained).
Molecular consequence: synonymous variant. On other transcripts: intron variant (137).
Genome position (GRCh38, 1-based): chr17:43,094,145, C>T on the plus strand (G>A on the coding strand, the complement: BRCA1 is on the minus strand). VCF-style: chr17-43094145-C-T. GRCh37 (hg19) VCF-style: chr17-41246162-C-T.
Other names: c.1173G>A, p.Gly391= (NM_001407571.1, NM_001407853.1, NM_001407894.1 and 9 more transcripts); c.1386G>A, p.Gly462= (NM_001407581.1, NM_001407582.1, NM_001407583.1 and 30 more transcripts); c.1383G>A, p.Gly461= (NM_001407587.1, NM_001407590.1, NM_001407591.1 and 22 more transcripts); c.1377G>A, p.Gly459= (NM_001407646.1, NM_001407647.1); c.1263G>A, p.Gly421= (NM_001407648.1, NM_001407664.1, NM_001407665.1 and 19 more transcripts); c.1260G>A, p.Gly420= (NM_001407649.1, NM_001407670.1, NM_001407671.1 and 11 more transcripts); c.1308G>A, p.Gly436= (NM_001407653.1, NM_001407654.1, NM_001407655.1 and 4 more transcripts); c.1305G>A, p.Gly435= (NM_001407659.1, NM_001407660.1, NM_001407661.1 and 1 more transcripts); and 40 more.
Identifiers: ClinVar variation 232413 (VCV000232413.25), dbSNP rs876659749, ClinGen allele CA10580669.